The following is an entry in ClinVar:

NM_014314.4(RIGI):c.1397G>A (p.Arg466Gln)

Gene: RIGI (RNA sensor RIG-I; minus strand). Cytogenetic location: 9p21.1.
Variant type: single nucleotide variant.
Coding change: c.1397G>A on transcript NM_014314.4 (MANE Select); coding-DNA position 1397, G replaced by A.
Protein change: p.Arg466Gln; replaces arginine 466 with glutamine.
Molecular consequence: missense variant.
Genome position (GRCh38, 1-based): chr9:32,485,258, C>T on the plus strand (G>A on the coding strand, the complement: RIGI is on the minus strand). VCF-style: chr9-32485258-C-T. GRCh37 (hg19) VCF-style: chr9-32485256-C-T.
Other names: c.1391G>A, p.Arg464Gln (NM_001385907.1); c.1397G>A, p.Arg466Gln (NM_001385909.1); c.956G>A, p.Arg319Gln (NM_001385910.1); c.788G>A, p.Arg263Gln (NM_001385912.1); c.1382G>A, p.Arg461Gln (NM_001385913.1); c.953G>A, p.Arg318Gln (NM_001385914.1); short protein forms R263Q, R318Q, R319Q, R461Q, R464Q, R466Q.
Identifiers: ClinVar variation 3615852 (VCV003615852.2).

ClinVar aggregate classification (germline): Uncertain significance (1 of 4 stars; one submission).

gnomAD v4.1: 17 of 1,599,796 alleles (0.0011%); highest among the groups gnomAD compares: South Asian, 0.01%; no homozygotes.

Submission:

Labcorp Genetics (formerly Invitae), Labcorp
Classification: Uncertain significance. Last evaluated: 2025-05-19. Review status: criteria provided, single submitter. Criteria: Invitae Variant Classification Sherloc (09022015). Collection method: clinical testing. Allele origin: germline.
Comment: This sequence change replaces arginine, which is basic and polar, with glutamine, which is neutral and polar, at codon 466 of the DDX58 protein (p.Arg466Gln). This variant is present in population databases (rs745588512, gnomAD 0.02%). This variant has not been reported in the literature in individuals affected with DDX58-related conditions. ClinVar contains an entry for this variant (Variation ID: 3615852). Invitae Evidence Modeling of protein sequence and biophysical properties (such as structural, functional, and spatial information, amino acid conservation, physicochemical variation, residue mobility, and thermodynamic stability) indicates that this missense variant is not expected to disrupt DDX58 protein function with a negative predictive value of 80%. In summary, the available evidence is currently insufficient to determine the role of this variant in disease. Therefore, it has been classified as a Variant of Uncertain Significance.